The following is an entry in ClinVar:

NM_001854.4(COL11A1):c.4518+6T>C

Gene: COL11A1 (collagen type XI alpha 1 chain; minus strand). Cytogenetic location: 1p21.1.
Variant type: single nucleotide variant.
Coding change: c.4518+6T>C on transcript NM_001854.4 (MANE Select); 6 bases into the intron after coding-DNA position 4518, T replaced by C.
Molecular consequence: intron variant.
Genome position (GRCh38, 1-based): chr1:102,888,860, A>G on the plus strand (T>C on the coding strand, the complement: COL11A1 is on the minus strand). VCF-style: chr1-102888860-A-G. GRCh37 (hg19) VCF-style: chr1-103354416-A-G.
Other names: c.4401+6T>C (NM_001190709.2); c.4554+6T>C (NM_080629.3); c.4170+6T>C (NM_080630.4).
Identifiers: ClinVar variation 3253277 (VCV003253277.1), dbSNP rs2524247553.

ClinVar aggregate classification (germline): Uncertain significance (1 of 4 stars; one submission).

Submission:

GeneDx
Classification: Uncertain significance. Last evaluated: 2023-08-10. Review status: criteria provided, single submitter. Criteria: GeneDx Variant Classification Process June 2021. Collection method: clinical testing. Allele origin: germline. Affected: yes.
Comment: Not observed at significant frequency in large population cohorts (gnomAD); In silico analysis supports a deleterious effect on splicing; Has not been previously published as pathogenic or benign to our knowledge